The following is an entry in ClinVar:

ClinVar aggregate classification (germline): Uncertain significance. Review status: criteria provided, multiple submitters, no conflicts (2 of 4 stars). 2 submissions from 2 submitters: Uncertain significance (2). Last evaluated 2024-12-12.

Conditions:
Inborn genetic diseases. Identifiers: MedGen C0950123, MeSH D030342.

Allele frequency attached by ClinVar (database versions not stated): gnomAD 0.00003; TOPMed 0.00005; ExAC 0.00009.

Submissions (3):

Labcorp Genetics (formerly Invitae), Labcorp
Classification: Uncertain significance. Last evaluated: 2024-12-12. Review status: criteria provided, single submitter. Criteria: Invitae Variant Classification Sherloc (09022015). Collection method: clinical testing. Allele origin: germline.
Comment: This sequence change replaces alanine, which is neutral and non-polar, with valine, which is neutral and non-polar, at codon 832 of the LAMB3 protein (p.Ala832Val). This variant is present in population databases (rs765817202, gnomAD 0.08%). This variant has not been reported in the literature in individuals affected with LAMB3-related conditions. ClinVar contains an entry for this variant (Variation ID: 3117624). Invitae Evidence Modeling of protein sequence and biophysical properties (such as structural, functional, and spatial information, amino acid conservation, physicochemical variation, residue mobility, and thermodynamic stability) indicates that this missense variant is not expected to disrupt LAMB3 protein function with a negative predictive value of 80%. In summary, the available evidence is currently insufficient to determine the role of this variant in disease. Therefore, it has been classified as a Variant of Uncertain Significance.

Ambry Genetics
Classification: Uncertain significance for Inborn genetic diseases. Last evaluated: 2024-03-05. Review status: criteria provided, single submitter. Criteria: Ambry Variant Classification Scheme 2023. Collection method: clinical testing. Allele origin: germline.

Dr. Peter K. Rogan Lab, Western University
No classification provided (evidence only). Condition: Lung cancer. Review status: no classification provided. Collection method: in vitro. Allele origin: not applicable. Functional consequence: skipped exon. Not counted in ClinVar's aggregate classification.

NM_000228.3(LAMB3):c.2495C>T (p.Ala832Val)

Gene: LAMB3 (laminin subunit beta 3; minus strand). Cytogenetic location: 1q32.2.
Variant type: single nucleotide variant.
Coding change: c.2495C>T on transcript NM_000228.3 (MANE Select); coding-DNA position 2495, C replaced by T.
Protein change: p.Ala832Val; replaces alanine 832 with valine.
Molecular consequence: missense variant.
Genome position (GRCh38, 1-based): chr1:209,623,043, G>A on the plus strand (C>T on the coding strand, the complement: LAMB3 is on the minus strand). VCF-style: chr1-209623043-G-A. GRCh37 (hg19) VCF-style: chr1-209796388-G-A.
Other names: c.2495C>T, p.Ala832Val (NM_001017402.2, NM_001127641.1); short protein forms A832V.
Identifiers: ClinVar variation 3117624 (VCV003117624.3), dbSNP rs765817202, ClinGen allele CA1375223.